The following is an entry in ClinVar:

NM_002335.4(LRP5):c.293C>A (p.Ala98Asp)

Gene: LRP5 (LDL receptor related protein 5; plus strand). Cytogenetic location: 11q13.2.
Variant type: single nucleotide variant.
Coding change: c.293C>A on transcript NM_002335.4 (MANE Select); coding-DNA position 293, C replaced by A.
Protein change: p.Ala98Asp; replaces alanine 98 with aspartic acid.
Molecular consequence: missense variant. On other transcripts: 5 prime UTR variant (1).
Genome position (GRCh38, 1-based): chr11:68,348,048, C>A. VCF-style: chr11-68348048-C-A. GRCh37 (hg19) VCF-style: chr11-68115516-C-A.
Other names: c.-1473C>A (NM_001291902.2); short protein forms A98D.
Identifiers: ClinVar variation 1025966 (VCV001025966.7), dbSNP rs1357664392, ClinGen allele CA381610469.

ClinVar aggregate classification (germline): Uncertain significance. Review status: criteria provided, multiple submitters, no conflicts (2 of 4 stars). 2 submissions from 2 submitters: Uncertain significance (2). Last evaluated 2024-05-11.

Conditions:
Bone mineral density quantitative trait locus 1 (BMND1). Identifiers: MedGen C1866079, OMIM 601884.
Worth disease. Also called: ENDOSTEAL HYPEROSTOSIS, AUTOSOMAL DOMINANT; OSTEOSCLEROSIS, AUTOSOMAL DOMINANT; Autosomal dominant osteosclerosis, Worth type. Identifiers: Orphanet 2790, MedGen C0432273, MONDO:0007764, OMIM 144750.
Exudative vitreoretinopathy 4 (EVR4). Identifiers: Orphanet 891, MedGen C1866176, MONDO:0011151, OMIM 601813.
Polycystic liver disease 4 with or without kidney cysts. Identifiers: MedGen C4693479, MONDO:0044327, OMIM 617875.
Autosomal dominant osteopetrosis 1 (OPTA1). Also called: OSTEOPETROSIS, AUTOSOMAL DOMINANT, TYPE I. Identifiers: Orphanet 2783, MedGen C1843330, MONDO:0011877, OMIM 607634.
Osteoporosis with pseudoglioma (OPPG). Also called: osteoporosis-pseudoglioma syndrome. Identifiers: Orphanet 2788, MedGen C0432252, MONDO:0009820, OMIM 259770.

Allele frequency attached by ClinVar (database versions not stated): TOPMed below 0.00001; gnomAD 0.00001.
gnomAD v4.1: 1 of 1,613,998 alleles (0.000062%); highest among the groups gnomAD compares: Non-Finnish European, 0.000085%; no homozygotes.

Submissions (2):

Fulgent Genetics
Classification: Uncertain significance for Worth disease; Osteoporosis with pseudoglioma; Exudative vitreoretinopathy 4; Bone mineral density quantitative trait locus 1; Autosomal dominant osteopetrosis 1; Polycystic liver disease 4 with or without kidney cysts. Last evaluated: 2024-05-11. Review status: criteria provided, single submitter. Criteria: ACMG Guidelines, 2015. Collection method: clinical testing. Allele origin: germline.

Labcorp Genetics (formerly Invitae), Labcorp
Classification: Uncertain significance. Last evaluated: 2021-09-18. Review status: criteria provided, single submitter. Criteria: Invitae Variant Classification Sherloc (09022015). Collection method: clinical testing. Allele origin: germline.
Comment: This sequence change replaces alanine with aspartic acid at codon 98 of the LRP5 protein (p.Ala98Asp). The alanine residue is highly conserved and there is a moderate physicochemical difference between alanine and aspartic acid. This variant is not present in population databases (ExAC no frequency). This variant has not been reported in the literature in individuals affected with LRP5-related conditions. Algorithms developed to predict the effect of missense changes on protein structure and function are either unavailable or do not agree on the potential impact of this missense change (SIFT: "Deleterious"; PolyPhen-2: "Benign"; Align-GVGD: "Class C0"). In summary, the available evidence is currently insufficient to determine the role of this variant in disease. Therefore, it has been classified as a Variant of Uncertain Significance.